The following is an entry in ClinVar:

ClinVar aggregate classification (germline): Likely pathogenic (1 of 4 stars; one submission).

Conditions:
Dilated cardiomyopathy 1G (CMD1G). Identifiers: Orphanet 154, MedGen C1858763, MONDO:0011400, OMIM 604145.
Autosomal recessive limb-girdle muscular dystrophy type 2J (LGMDR10). Also called: Limb-girdle muscular dystrophy, type 2J; MUSCULAR DYSTROPHY, LIMB-GIRDLE, AUTOSOMAL RECESSIVE 10. Identifiers: Orphanet 140922, MedGen C1837342, MONDO:0012127, OMIM 608807.

Submission:

Labcorp Genetics (formerly Invitae), Labcorp
Classification: Likely pathogenic for Dilated cardiomyopathy 1G; Autosomal recessive limb-girdle muscular dystrophy type 2J. Last evaluated: 2024-10-24. Review status: criteria provided, single submitter. Criteria: Invitae Variant Classification Sherloc (09022015). Collection method: clinical testing. Allele origin: germline.
Comment: This sequence change creates a premature translational stop signal (p.Pro28454Glnfs*7) in the TTN gene. While this is not anticipated to result in nonsense mediated decay, it is expected to create a truncated TTN protein. This variant is not present in population databases (gnomAD no frequency). This variant has not been reported in the literature in individuals affected with TTN-related conditions. This variant is located in the A band of TTN (PMID: 25589632). Truncating variants in this region are significantly overrepresented in patients affected with dilated cardiomyopathy (PMID: 25589632). Truncating variants in this region have also been reported in individuals affected with autosomal recessive centronuclear myopathy (PMID: 23975875). In summary, the currently available evidence indicates that the variant is pathogenic, but additional data are needed to prove that conclusively. Therefore, this variant has been classified as Likely Pathogenic.

Literature cited by the submitters: PubMed 25589632; PubMed 23975875.

NM_001267550.2(TTN):c.85359del (p.Pro28454fs)

Genes: TTN (titin; minus strand), TTN-AS1 (TTN antisense RNA 1; plus strand). Cytogenetic location: 2q31.2.
Variant type: Deletion.
Coding change: c.85359del on transcript NM_001267550.2 (MANE Select); coding-DNA position 85359, one base deleted (A; older notation c.85359delA).
Protein change: p.Pro28454fs; shifts the reading frame from proline 28454.
Molecular consequence: frameshift variant.
Genome position (GRCh38, 1-based): chr2:178,560,773, T deleted on the plus strand (A on the coding strand, the reverse complement: TTN is on the minus strand). VCF-style (leftmost placement, unchanged base first): chr2-178560772-GT-G. GRCh37 (hg19) VCF-style: chr2-179425499-GT-G.
Other names: c.80436del, p.Pro26813fs (NM_001256850.1); c.58164del, p.Pro19389fs (NM_003319.4); c.77655del, p.Pro25886fs (NM_133378.4); c.58539del, p.Pro19514fs (NM_133432.3); c.58740del, p.Pro19581fs (NM_133437.4); short protein forms P19514fs, P19581fs, P25886fs, P19389fs, P26813fs, P28454fs.
Identifiers: ClinVar variation 2950761 (VCV002950761.3), dbSNP rs2469670823, ClinGen allele CA2740095902.